The following is an entry in ClinVar:

NM_000081.4(LYST):c.3876A>G (p.Val1292=)

Gene: LYST (lysosomal trafficking regulator; minus strand). Cytogenetic location: 1q42.3.
Variant type: single nucleotide variant.
Coding change: c.3876A>G on transcript NM_000081.4 (MANE Select); coding-DNA position 3876, A replaced by G.
Protein change: p.Val1292=; no amino-acid change (valine 1292 retained).
Molecular consequence: synonymous variant.
Genome position (GRCh38, 1-based): chr1:235,800,934, T>C on the plus strand (A>G on the coding strand, the complement: LYST is on the minus strand). VCF-style: chr1-235800934-T-C. GRCh37 (hg19) VCF-style: chr1-235964234-T-C.
Other names: c.3876A>G, p.Val1292= (NM_001301365.1).
Identifiers: ClinVar variation 739101 (VCV000739101.42), dbSNP rs144664809, ClinGen allele CA1466978.

ClinVar aggregate classification (germline): Likely benign. Review status: criteria provided, multiple submitters, no conflicts (2 of 4 stars). 3 submissions from 3 submitters: Likely benign (3). Last evaluated 2026-08-01.

Conditions:
Chédiak-Higashi syndrome (CHS). Also called: Chediak-Higashi Syndrome. Identifiers: Orphanet 167, MedGen C0007965, MONDO:0008963, OMIM 214500.

Allele frequency attached by ClinVar (database versions not stated): ExAC 0.00003; gnomAD 0.00004; gnomAD exomes 0.00004; TOPMed 0.00004; ESP Exome Variant Server 0.00008.
gnomAD v4.1: 79 of 1,613,712 alleles (0.0049%); highest among the groups gnomAD compares: Non-Finnish European, 0.0063%; no homozygotes.

Submissions (3):

CeGaT Center for Human Genetics Tuebingen
Classification: Likely benign. Last evaluated: 2026-08-01. Review status: criteria provided, single submitter. Criteria: CeGaT Center For Human Genetics Tuebingen Variant Classification Criteria Version 2. Collection method: clinical testing. Allele origin: germline. Affected: yes. Observed: 2 variant alleles.
Comment: LYST: BP4, BP7

Labcorp Genetics (formerly Invitae), Labcorp
Classification: Likely benign for Chédiak-Higashi syndrome. Last evaluated: 2025-10-19. Review status: criteria provided, single submitter. Criteria: Invitae Variant Classification Sherloc (09022015). Collection method: clinical testing. Allele origin: germline.

Blueprint Genetics
Classification: Likely benign. Last evaluated: 2024-11-21. Review status: criteria provided, single submitter. Criteria: ACMG Guidelines, 2015. Collection method: clinical testing. Allele origin: germline.